The following is an entry in ClinVar:

ClinVar aggregate classification (germline): Likely benign. Review status: criteria provided, multiple submitters, no conflicts (2 of 4 stars). 2 submissions from 2 submitters: Likely benign (2). Last evaluated 2026-05-01.

gnomAD v4.1: 92 of 1,613,914 alleles (0.0057%); highest among the groups gnomAD compares: South Asian, 0.099%; no homozygotes.

Submissions (2):

CeGaT Center for Human Genetics Tuebingen
Classification: Likely benign. Last evaluated: 2026-05-01. Review status: criteria provided, single submitter. Criteria: CeGaT Center For Human Genetics Tuebingen Variant Classification Criteria Version 2. Collection method: clinical testing. Allele origin: germline. Affected: yes. Observed: 1 variant allele.
Comment: ASXL3: BP4, BS2

Blueprint Genetics
Classification: Likely benign. Last evaluated: 2024-11-06. Review status: criteria provided, single submitter. Criteria: ACMG Guidelines, 2015. Collection method: clinical testing. Allele origin: germline.

NM_030632.3(ASXL3):c.1350T>C (p.Ile450=)

Gene: ASXL3 (ASXL transcriptional regulator 3; plus strand). Cytogenetic location: 18q12.1.
Variant type: single nucleotide variant.
Coding change: c.1350T>C on transcript NM_030632.3 (MANE Select); coding-DNA position 1350, T replaced by C.
Protein change: p.Ile450=; no amino-acid change (isoleucine 450 retained).
Molecular consequence: synonymous variant.
Genome position (GRCh38, 1-based): chr18:33,738,754, T>C. VCF-style: chr18-33738754-T-C. GRCh37 (hg19) VCF-style: chr18-31318718-T-C.
Identifiers: ClinVar variation 4873095 (VCV004873095.3).
Genomic context (GRCh38, chr18:33,738,754, plus strand): 5'-TAAAGATATAATGGCAGAATTGGAGTCAGAGGATATCTTGATCCCTGAAGAATCTGTAAT[T>C]CAGGAGGAAATTGCAGAAGAGGTAGAGACTAGTATCTGTGAATGCCAGGATGAAAATCAT-3'
Protein context (NP_085135.1, residues 440-460): EDILIPEESV[Ile450=]QEEIAEEVET